The following is an entry in ClinVar:

NM_001170629.2(CHD8):c.6856A>G (p.Lys2286Glu)

Genes: CHD8 (chromodomain helicase DNA binding protein 8; minus strand), LOC126861888 (CDK7 strongly-dependent group 2 enhancer GRCh37_chr14:21859227-21860426; plus strand). Cytogenetic location: 14q11.2.
Variant type: single nucleotide variant.
Coding change: c.6856A>G on transcript NM_001170629.2 (MANE Select); coding-DNA position 6856, A replaced by G.
Protein change: p.Lys2286Glu; replaces lysine 2286 with glutamic acid.
Molecular consequence: missense variant.
Genome position (GRCh38, 1-based): chr14:21,391,862, T>C on the plus strand (A>G on the coding strand, the complement: CHD8 is on the minus strand). VCF-style: chr14-21391862-T-C. GRCh37 (hg19) VCF-style: chr14-21860021-T-C.
Other names: c.6019A>G, p.Lys2007Glu (NM_020920.4); short protein forms K2007E, K2286E.
Identifiers: ClinVar variation 3362023 (VCV003362023.1).

ClinVar aggregate classification (germline): Uncertain significance (1 of 4 stars; one submission).

Submission:

GeneDx
Classification: Uncertain significance. Last evaluated: 2023-05-24. Review status: criteria provided, single submitter. Criteria: GeneDx Variant Classification Process June 2021. Collection method: clinical testing. Allele origin: germline. Affected: yes.
Comment: Not observed at significant frequency in large population cohorts (gnomAD); In silico analysis supports that this missense variant does not alter protein structure/function; Has not been previously published as pathogenic or benign to our knowledge